The following is an entry in ClinVar:

ClinVar aggregate classification (germline): Pathogenic. Review status: criteria provided, multiple submitters, no conflicts (2 of 4 stars). 3 submissions from 3 submitters: Pathogenic (2). 1 of the submissions does not count toward it. Last evaluated 2025-05-20.

Conditions:
Tuberous sclerosis syndrome (TSC). Also called: Tuberous Sclerosis Complex; Tuberous sclerosis. Identifiers: Orphanet 805, MedGen C0041341, MONDO:0001734.
Tuberous sclerosis 1 (TSC1). Identifiers: Orphanet 805, MedGen C1854465, MONDO:0008612, OMIM 191100.

Submissions (3):

GeneDx
Classification: Pathogenic. Last evaluated: 2025-05-20. Review status: criteria provided, single submitter. Criteria: GeneDx Variant Classification Process June 2021. Collection method: clinical testing. Allele origin: germline. Affected: yes.
Comment: Canonical splice site variant predicted to result in a null allele in a gene for which loss of function is a known mechanism of disease; Reported in an individual with childhood epilepsy in the published literature; however, additional clinical information was not provided (PMID: 31440721); Not observed at significant frequency in large population cohorts (gnomAD); This variant is associated with the following publications: (PMID: 31440721)

Labcorp Genetics (formerly Invitae), Labcorp
Classification: Pathogenic for Tuberous sclerosis 1. Last evaluated: 2023-12-18. Review status: criteria provided, single submitter. Criteria: Invitae Variant Classification Sherloc (09022015). Collection method: clinical testing. Allele origin: germline.
Comment: This sequence change affects a donor splice site in intron 6 of the TSC1 gene. It is expected to disrupt RNA splicing. Variants that disrupt the donor or acceptor splice site typically lead to a loss of protein function (PMID: 16199547), and loss-of-function variants in TSC1 are known to be pathogenic (PMID: 10227394, 17304050). This variant is not present in population databases (gnomAD no frequency). Disruption of this splice site has been observed in individuals with tuberous sclerosis complex (PMID: 31525612; Invitae). ClinVar contains an entry for this variant (Variation ID: 49048). Algorithms developed to predict the effect of sequence changes on RNA splicing suggest that this variant may disrupt the consensus splice site. For these reasons, this variant has been classified as Pathogenic.

Tuberous sclerosis database (TSC1)
No classification provided. Condition: TSC. Review status: no classification provided. Criteria: Tuberous Sclerosis Database Assertion Criteria 2015. Collection method: curation. Allele origin: germline. Affected: yes. Not counted in ClinVar's aggregate classification.

Literature cited by the submitters: PubMed 16199547 (cited by Labcorp Genetics (formerly Invitae), Labcorp); PubMed 10227394 (cited by Labcorp Genetics (formerly Invitae), Labcorp); PubMed 17304050 (cited by Labcorp Genetics (formerly Invitae), Labcorp); PubMed 31525612 (cited by Labcorp Genetics (formerly Invitae), Labcorp).

NM_000368.5(TSC1):c.508+1G>C

Gene: TSC1 (TSC complex subunit 1; minus strand). Cytogenetic location: 9q34.13.
Variant type: single nucleotide variant.
Coding change: c.508+1G>C on transcript NM_000368.5 (MANE Select); the canonical splice donor site of the intron after coding-DNA position 508, G replaced by C.
Molecular consequence: splice donor variant.
Genome position (GRCh38, 1-based): chr9:132,923,347, C>G on the plus strand (G>C on the coding strand, the complement: TSC1 is on the minus strand). VCF-style: chr9-132923347-C-G. GRCh37 (hg19) VCF-style: chr9-135798734-C-G.
Other names: c.145+1G>C (NM_001406620.1, NM_001406618.1, NM_001406625.1 and 10 more transcripts); c.355+1G>C (NM_001406613.1, NM_001406612.1, NM_001406610.1 and 2 more transcripts); c.-370+1G>C (NM_001406627.1, NM_001406628.1, NM_001406626.1); c.-512+1G>C (NM_001406629.1); c.508+1G>C (NM_001406603.1, NM_001406609.1, NM_001406597.1 and 16 more transcripts); c.-586+1G>C (NM_001406630.1).
Identifiers: ClinVar variation 49048 (VCV000049048.13), dbSNP rs118203390, ClinGen allele CA007656.